The following is an entry in ClinVar:

NM_004036.5(ADCY3):c.3252+5G>T

Genes: ADCY3 (adenylate cyclase 3; minus strand), CENPO (centromere protein O; plus strand). Cytogenetic location: 2p23.3.
Variant type: single nucleotide variant.
Coding change: c.3252+5G>T on transcript NM_004036.5 (MANE Select); 5 bases into the intron after coding-DNA position 3252, G replaced by T.
Molecular consequence: intron variant. On other transcripts: 3 prime UTR variant (3), non-coding transcript variant (3).
Genome position (GRCh38, 1-based): chr2:24,820,719, C>A on the plus strand (G>T on the coding strand, the complement: ADCY3 is on the minus strand). VCF-style: chr2-24820719-C-A. GRCh37 (hg19) VCF-style: chr2-25043588-C-A.
Other names: c.*1401C>A (NM_001199803.3, NM_001322101.2, NM_024322.4); c.2700+5G>T (NM_001377130.1); c.3114+5G>T (NM_001377129.1); c.3255+5G>T (NM_001320613.2); c.3318+5G>T (NM_001377128.1); c.3252+5G>T (NM_001377132.1); c.2529+5G>T (NM_001377131.1).
Identifiers: ClinVar variation 2787438 (VCV002787438.5), dbSNP rs776111289, ClinGen allele CA43677203.
Genomic context (GRCh38, chr2:24,820,719, plus strand): 5'-AGCACTGTTCCGGTTTTGTTCTCATGCCGAGTCTGAGCACGTGCCAGCTGTGCCACTGGA[C>A]ATACCTGAATGTTGCCCATGACCCCCGTGGACTCCATCCTGCTGGCTACATTGACTGTAT-3'

ClinVar aggregate classification (germline): Uncertain significance. Review status: criteria provided, single submitter (1 of 4 stars). 2 submissions from 2 submitters: Uncertain significance (1). 1 of the submissions does not count toward it. Last evaluated 2023-12-10.

Conditions:
ADCY3-related disorder. Also called: ADCY3-related condition.

Allele frequency attached by ClinVar (database versions not stated): gnomAD exomes 0.00001; TOPMed 0.00001.
gnomAD v4.1: 13 of 1,614,030 alleles (0.00081%); highest among the groups gnomAD compares: Non-Finnish European, 0.0011%; no homozygotes.

Submissions (2):

Labcorp Genetics (formerly Invitae), Labcorp
Classification: Uncertain significance. Last evaluated: 2023-12-10. Review status: criteria provided, single submitter. Criteria: Invitae Variant Classification Sherloc (09022015). Collection method: clinical testing. Allele origin: germline.
Comment: This sequence change falls in intron 21 of the ADCY3 gene. It does not directly change the encoded amino acid sequence of the ADCY3 protein. It affects a nucleotide within the consensus splice site. The frequency data for this variant in the population databases is considered unreliable, as metrics indicate poor data quality at this position in the gnomAD database. This variant has not been reported in the literature in individuals affected with ADCY3-related conditions. Variants that disrupt the consensus splice site are a relatively common cause of aberrant splicing (PMID: 17576681, 9536098). Algorithms developed to predict the effect of sequence changes on RNA splicing suggest that this variant may disrupt the consensus splice site. In summary, the available evidence is currently insufficient to determine the role of this variant in disease. Therefore, it has been classified as a Variant of Uncertain Significance.

PreventionGenetics, part of Exact Sciences
Classification: Likely benign for ADCY3-related condition. Last evaluated: 2020-12-07. Review status: no assertion criteria provided. Collection method: clinical testing. Allele origin: germline. Not counted in ClinVar's aggregate classification.
Comment: This variant is classified as likely benign based on ACMG/AMP sequence variant interpretation guidelines (Richards et al. 2015 PMID: 25741868, with internal and published modifications).

Literature cited by the submitters: PubMed 17576681 (cited by Labcorp Genetics (formerly Invitae), Labcorp); PubMed 9536098 (cited by Labcorp Genetics (formerly Invitae), Labcorp).